The following is an entry in ClinVar:

ClinVar aggregate classification (germline): Uncertain significance. Review status: criteria provided, multiple submitters, no conflicts (2 of 4 stars). 2 submissions from 2 submitters: Uncertain significance (2). Last evaluated 2024-04-18.

Conditions:
Hypertrophic cardiomyopathy. Also called: HYPERTROPHIC MYOCARDIOPATHY. Identifiers: Orphanet 217569, MedGen C0007194, MeSH D002312, MONDO:0005045, HP:0001639.
Cardiovascular phenotype. Identifiers: MedGen CN230736.

Submissions (2):

Labcorp Genetics (formerly Invitae), Labcorp
Classification: Uncertain significance for Hypertrophic cardiomyopathy. Last evaluated: 2024-04-18. Review status: criteria provided, single submitter. Criteria: Invitae Variant Classification Sherloc (09022015). Collection method: clinical testing. Allele origin: germline.
Comment: This sequence change replaces glutamic acid, which is acidic and polar, with glutamine, which is neutral and polar, at codon 34 of the MYBPC3 protein (p.Glu34Gln). This variant is not present in population databases (gnomAD no frequency). This variant has not been reported in the literature in individuals affected with MYBPC3-related conditions. ClinVar contains an entry for this variant (Variation ID: 2563095). An algorithm developed to predict the effect of missense changes on protein structure and function (PolyPhen-2) suggests that this variant is likely to be disruptive. In summary, the available evidence is currently insufficient to determine the role of this variant in disease. Therefore, it has been classified as a Variant of Uncertain Significance.

Ambry Genetics
Classification: Uncertain significance for Cardiovascular phenotype. Last evaluated: 2023-05-27. Review status: criteria provided, single submitter. Criteria: Ambry Variant Classification Scheme 2023. Collection method: clinical testing. Allele origin: germline.
Comment: The p.E34Q variant (also known as c.100G>C), located in coding exon 2 of the MYBPC3 gene, results from a G to C substitution at nucleotide position 100. The glutamic acid at codon 34 is replaced by glutamine, an amino acid with highly similar properties. This amino acid position is conserved. In addition, this alteration is predicted to be tolerated by in silico analysis. Since supporting evidence is limited at this time, the clinical significance of this alteration remains unclear.

NM_000256.3(MYBPC3):c.100G>C (p.Glu34Gln)

Gene: MYBPC3 (myosin binding protein C3; minus strand). Cytogenetic location: 11p11.2.
Variant type: single nucleotide variant.
Coding change: c.100G>C on transcript NM_000256.3 (MANE Select); coding-DNA position 100, G replaced by C.
Protein change: p.Glu34Gln; replaces glutamic acid 34 with glutamine.
Molecular consequence: missense variant.
Genome position (GRCh38, 1-based): chr11:47,351,431, C>G on the plus strand (G>C on the coding strand, the complement: MYBPC3 is on the minus strand). VCF-style: chr11-47351431-C-G. GRCh37 (hg19) VCF-style: chr11-47372982-C-G.
Other names: short protein forms E34Q.
Identifiers: ClinVar variation 2563095 (VCV002563095.4), dbSNP rs2095900924, ClinGen allele CA380341928.